The following is an entry in ClinVar:

NM_001394062.1(MACF1):c.368A>G (p.Lys123Arg)

Gene: MACF1 (microtubule actin crosslinking factor 1; plus strand). Cytogenetic location: 1p34.3.
Variant type: single nucleotide variant.
Coding change: c.368A>G on transcript NM_001394062.1 (MANE Select); coding-DNA position 368, A replaced by G.
Protein change: p.Lys123Arg; replaces lysine 123 with arginine.
Molecular consequence: missense variant.
Genome position (GRCh38, 1-based): chr1:39,254,308, A>G. VCF-style: chr1-39254308-A-G. GRCh37 (hg19) VCF-style: chr1-39719980-A-G.
Other names: c.383A>G, p.Lys128Arg (NM_012090.5); short protein forms K123R, K128R.
Identifiers: ClinVar variation 4885177 (VCV004885177.2).

ClinVar aggregate classification (germline): Uncertain significance (1 of 4 stars; one submission).

Submission:

Dasa
Classification: Uncertain significance. Last evaluated: 2025-09-05. Review status: criteria provided, single submitter. Criteria: DASA Assertion Criteria. Collection method: clinical testing. Allele origin: germline.
Comment: NM_001394062.1(MACF1):c.368A>G (p.Lys123Arg) is a missense variant that results in the substitution of lysine with arginine. This variant is absent from population databases. The currently available literature and clinical evidence are not sufficient to establish a definitive association between this variant and the reported condition. Therefore, this variant is classified as a variant of uncertain significance.